The following is an entry in ClinVar:

NM_012448.4(STAT5B):c.89_90dup (p.Arg31fs)

Gene: STAT5B (signal transducer and activator of transcription 5B; minus strand). Cytogenetic location: 17q21.2.
Variant type: Duplication.
Coding change: c.89_90dup on transcript NM_012448.4 (MANE Select); coding-DNA positions 89 to 90, 2 bases duplicated (TG; older notation c.89_90dupTG).
Protein change: p.Arg31fs; shifts the reading frame from arginine 31.
Molecular consequence: frameshift variant.
Genome position (GRCh38, 1-based): chr17:42,232,038-42,232,039, CA duplicated on the plus strand (TG on the coding strand, the reverse complement: STAT5B is on the minus strand); duplicating any 2 consecutive bases within chr17:42,232,038-42,232,040 gives the same sequence; the c. name uses the placement nearest the transcript's 3' end. VCF-style (leftmost placement, unchanged base first): chr17-42232037-G-GCA. GRCh37 (hg19) VCF-style: chr17-40384055-G-GCA.
Other names: short protein forms R31fs.
Identifiers: ClinVar variation 2739237 (VCV002739237.3), dbSNP rs2508803545, ClinGen allele CA2697559901.

ClinVar aggregate classification (germline): Pathogenic (1 of 4 stars; one submission).

Conditions:
Growth hormone insensitivity with immune dysregulation 1, autosomal recessive. Also called: GROWTH HORMONE INSENSITIVITY DUE TO POSTRECEPTOR DEFECT; LARON SYNDROME DUE TO POSTRECEPTOR DEFECT; Laron syndrome with immunodeficiency; GROWTH HORMONE INSENSITIVITY SYNDROME WITH IMMUNE DYSREGULATION 1, AUTOSOMAL RECESSIVE. Identifiers: Orphanet 220465, MedGen C5435698, MONDO:0100211, OMIM 245590.

Submission:

Labcorp Genetics (formerly Invitae), Labcorp
Classification: Pathogenic for Growth hormone insensitivity with immune dysregulation 1, autosomal recessive. Last evaluated: 2023-07-24. Review status: criteria provided, single submitter. Criteria: Invitae Variant Classification Sherloc (09022015). Collection method: clinical testing. Allele origin: germline.
Comment: This sequence change creates a premature translational stop signal (p.Arg31Cysfs*17) in the STAT5B gene. It is expected to result in an absent or disrupted protein product. Loss-of-function variants in STAT5B are known to be pathogenic (PMID: 15827093). For these reasons, this variant has been classified as Pathogenic. This variant has not been reported in the literature in individuals affected with STAT5B-related conditions. This variant is not present in population databases (gnomAD no frequency).

Literature cited by the submitters: PubMed 15827093.